The following is an entry in ClinVar:

NM_002529.4(NTRK1):c.956G>C (p.Gly319Ala)

Gene: NTRK1 (neurotrophic receptor tyrosine kinase 1; plus strand). Cytogenetic location: 1q23.1.
Variant type: single nucleotide variant.
Coding change: c.956G>C on transcript NM_002529.4 (MANE Select); coding-DNA position 956, G replaced by C.
Protein change: p.Gly319Ala; replaces glycine 319 with alanine.
Molecular consequence: missense variant.
Genome position (GRCh38, 1-based): chr1:156,873,738, G>C. VCF-style: chr1-156873738-G-C. GRCh37 (hg19) VCF-style: chr1-156843530-G-C.
Other names: c.956G>C, p.Gly319Ala (NM_001007204.1, NM_001012331.2); c.866G>C, p.Gly289Ala (NM_001007792.1); short protein forms G289A, G319A.
Identifiers: ClinVar variation 2040657 (VCV002040657.4), dbSNP rs1647708522, ClinGen allele CA342935869.

ClinVar aggregate classification (germline): Uncertain significance (1 of 4 stars; one submission).

Conditions:
Hereditary insensitivity to pain with anhidrosis (CIPA). Also called: FAMILIAL DYSAUTONOMIA, TYPE II; INSENSITIVITY TO PAIN, CONGENITAL, WITH ANHIDROSIS; HSAN Type IV; hereditary sensory and autonomic neuropathy type 4; NEUROPATHY, CONGENITAL SENSORY, WITH ANHIDROSIS; NTRK1 Congenital Insensitivity to Pain with Anhidrosis. Identifiers: Orphanet 642, MedGen C0020074, MONDO:0009746, OMIM 256800.

Submission:

Labcorp Genetics (formerly Invitae), Labcorp
Classification: Uncertain significance for Hereditary insensitivity to pain with anhidrosis. Last evaluated: 2022-04-09. Review status: criteria provided, single submitter. Criteria: Invitae Variant Classification Sherloc (09022015). Collection method: clinical testing. Allele origin: germline.
Comment: In summary, the available evidence is currently insufficient to determine the role of this variant in disease. Therefore, it has been classified as a Variant of Uncertain Significance. Advanced modeling of protein sequence and biophysical properties (such as structural, functional, and spatial information, amino acid conservation, physicochemical variation, residue mobility, and thermodynamic stability) performed at Invitae indicates that this missense variant is expected to disrupt NTRK1 protein function. This variant has not been reported in the literature in individuals affected with NTRK1-related conditions. This variant is not present in population databases (gnomAD no frequency). This sequence change replaces glycine, which is neutral and non-polar, with alanine, which is neutral and non-polar, at codon 319 of the NTRK1 protein (p.Gly319Ala).